The following is an entry in ClinVar:

ClinVar aggregate classification (germline): Likely benign (1 of 4 stars; one submission).

Allele frequency attached by ClinVar (database versions not stated): ExAC 0.00001; 1000 Genomes Project 0.00040.

Submission:

CeGaT Center for Human Genetics Tuebingen
Classification: Likely benign. Last evaluated: 2024-02-01. Review status: criteria provided, single submitter. Criteria: CeGaT Center For Human Genetics Tuebingen Variant Classification Criteria Version 2. Collection method: clinical testing. Allele origin: germline. Affected: yes. Observed: 3 variant alleles.
Comment: CEL: BP4, BP7

NM_001807.6(CEL):c.2163G>C (p.Gly721=)

Gene: CEL (carboxyl ester lipase; plus strand). Cytogenetic location: 9q34.13.
Variant type: single nucleotide variant.
Coding change: c.2163G>C on transcript NM_001807.6 (MANE Select); coding-DNA position 2163, G replaced by C.
Protein change: p.Gly721=; no amino-acid change (glycine 721 retained).
Molecular consequence: synonymous variant.
Genome position (GRCh38, 1-based): chr9:133,071,665, G>C. VCF-style: chr9-133071665-G-C. GRCh37 (hg19) VCF-style: chr9-135947052-G-C.
Identifiers: ClinVar variation 2659685 (VCV002659685.24), dbSNP rs547424025, ClinGen allele CA5303665.